The following is an entry in ClinVar:

ClinVar aggregate classification (germline): Likely benign. Review status: criteria provided, multiple submitters, no conflicts (2 of 4 stars). 2 submissions from 2 submitters: Likely benign (2). Last evaluated 2026-07-01.

Conditions:
Aortic aneurysm, familial thoracic 7 (AAT7). Also called: AORTIC DISSECTION, FAMILIAL, WITH OR WITHOUT AORTIC ANEURYSM. Identifiers: MedGen C3151077, MONDO:0013418, OMIM 613780.

Submissions (2):

CeGaT Center for Human Genetics Tuebingen
Classification: Likely benign. Last evaluated: 2026-07-01. Review status: criteria provided, single submitter. Criteria: CeGaT Center For Human Genetics Tuebingen Variant Classification Criteria Version 2. Collection method: clinical testing. Allele origin: germline. Affected: yes. Observed: 1 variant allele.
Comment: MYLK: PM2:Supporting, BP4, BP7

Labcorp Genetics (formerly Invitae), Labcorp
Classification: Likely benign for Aortic aneurysm, familial thoracic 7. Last evaluated: 2025-09-04. Review status: criteria provided, single submitter. Criteria: Invitae Variant Classification Sherloc (09022015). Collection method: clinical testing. Allele origin: germline.

NM_053025.4(MYLK):c.366A>C (p.Thr122=)

Gene: MYLK (myosin light chain kinase; minus strand). Cytogenetic location: 3q21.1.
Variant type: single nucleotide variant.
Coding change: c.366A>C on transcript NM_053025.4 (MANE Select); coding-DNA position 366, A replaced by C.
Protein change: p.Thr122=; no amino-acid change (threonine 122 retained).
Molecular consequence: synonymous variant. On other transcripts: intron variant (1).
Genome position (GRCh38, 1-based): chr3:123,752,338, T>G on the plus strand (A>C on the coding strand, the complement: MYLK is on the minus strand). VCF-style: chr3-123752338-T-G. GRCh37 (hg19) VCF-style: chr3-123471185-T-G.
Other names: c.366A>C, p.Thr122= (NM_053026.4, NM_053027.4, NM_053028.4); c.-155-12337A>C (NM_001321309.2).
Identifiers: ClinVar variation 4807937 (VCV004807937.2).